The following is an entry in ClinVar:

ClinVar aggregate classification (germline): Uncertain significance (1 of 4 stars; one submission).

Conditions:
Diamond-Blackfan anemia. Also called: Blackfan Diamond syndrome; Aregenerative anemia chronic congenital; Red cell aplasia, pure hereditary; Congenital hypoplastic anemia; Aase syndrome. Identifiers: Orphanet 124, MedGen C1260899, MeSH D029503, MONDO:0015253, HP:0004810.

gnomAD v4.1: 4 of 1,613,762 alleles (0.00025%); highest among the groups gnomAD compares: South Asian, 0.0044%; no homozygotes.

Submission:

Labcorp Genetics (formerly Invitae), Labcorp
Classification: Uncertain significance for Diamond-Blackfan anemia. Last evaluated: 2024-03-01. Review status: criteria provided, single submitter. Criteria: Invitae Variant Classification Sherloc (09022015). Collection method: clinical testing. Allele origin: germline.
Comment: This sequence change replaces glycine, which is neutral and non-polar, with valine, which is neutral and non-polar, at codon 73 of the RPS19 protein (p.Gly73Val). This variant is not present in population databases (gnomAD no frequency). This variant has not been reported in the literature in individuals affected with RPS19-related conditions. An algorithm developed to predict the effect of missense changes on protein structure and function (PolyPhen-2) suggests that this variant is likely to be disruptive. In summary, the available evidence is currently insufficient to determine the role of this variant in disease. Therefore, it has been classified as a Variant of Uncertain Significance.

NM_001022.4(RPS19):c.218G>T (p.Gly73Val)

Genes: RPS19 (ribosomal protein S19; plus strand), RPS19-CD79A (RPS19-CD79A readthrough; plus strand). Cytogenetic location: 19q13.2.
Variant type: single nucleotide variant.
Coding change: c.218G>T on transcript NM_001022.4 (MANE Select); coding-DNA position 218, G replaced by T.
Protein change: p.Gly73Val; replaces glycine 73 with valine.
Molecular consequence: missense variant.
Genome position (GRCh38, 1-based): chr19:41,869,076, G>T. VCF-style: chr19-41869076-G-T. GRCh37 (hg19) VCF-style: chr19-42373146-G-T.
Other names: c.218G>T, p.Gly73Val (NM_001321483.2, NM_001321484.2); c.231G>T, p.Trp77Cys (NM_001321485.2); short protein forms W77C, G73V.
Identifiers: ClinVar variation 3667349 (VCV003667349.2).